The following is an entry in ClinVar:

ClinVar aggregate classification (germline): Conflicting classifications of pathogenicity. Review status: criteria provided, conflicting classifications (1 of 4 stars). 7 submissions from 7 submitters: Likely pathogenic (3); Uncertain significance (4). Last evaluated 2025-09-09.

Conditions:
Autosomal recessive polycystic kidney disease (ARPKD). Also called: AR polycystic kidney disease. Identifiers: Orphanet 731, Orphanet 8378, MedGen C0085548, MeSH D017044, MONDO:0009889.
Polycystic kidney disease, adult type (PKD1). Also called: POLYCYSTIC KIDNEY DISEASE, ADULT, TYPE I; Polycystic Kidney, Autosomal Dominant; POLYCYSTIC KIDNEY DISEASE 1 WITH OR WITHOUT POLYCYSTIC LIVER DISEASE; Polycystic Kidney Disease 1, Autosomal Dominant; Polycystic kidney disease 1; Polycystic kidney disease 1, severe. Identifiers: MedGen C3149841, MONDO:0008263, OMIM 173900.

Allele frequency attached by ClinVar (database versions not stated): gnomAD exomes below 0.00001.
gnomAD v4.1: 1 of 1,608,680 alleles (0.000062%); highest among the groups gnomAD compares: Admixed American, 0.0017%; no homozygotes.

Submissions (7):

Women's Health and Genetics/Laboratory Corporation of America, LabCorp
Classification: Likely pathogenic for Polycystic kidney disease, adult type. Last evaluated: 2025-09-09. Review status: criteria provided, single submitter. Criteria: LabCorp Variant Classification Summary - May 2015. Collection method: clinical testing. Allele origin: germline.
Comment: Variant summary: PKD1 c.6656C>T (p.Pro2219Leu) results in a non-conservative amino acid change in the encoded protein sequence. Algorithms developed to predict the effect of missense changes on protein structure and function all suggest that this variant is likely to be disruptive. The variant was absent in 238516 control chromosomes (gnomAD). c.6656C>T has been observed in heterozygous individuals affected with polycystic kidney disease (e.g. Nielsen_2021, Allmer_2024), and in a case with congenital anomalies of the kidney and urinary tract (Sanna-Cherchi_2017). The variant was also reported in compound heterozygous state in two early-onset cases (affected fetuses) from the same family, although no clinical information was provided about the parent who carried the variant in heterozygous state (VanNoy_2020). These data indicate that the variant is likely to be associated with disease. To our knowledge, no experimental evidence demonstrating an impact on protein function has been reported. The following publications have been ascertained in the context of this evaluation (PMID: 29100090, 32775833, 33639313, 39574911). ClinVar contains an entry for this variant (Variation ID: 635077). Based on the evidence outlined above, the variant was classified as likely pathogenic.

Mayo Clinic Laboratories, Mayo Clinic
Classification: Uncertain significance. Last evaluated: 2024-08-26. Review status: criteria provided, single submitter. Criteria: ACMG Guidelines, 2015. Collection method: clinical testing. Allele origin: germline. Observed: 2 variant alleles.
Comment: PP3, PM2

CeGaT Center for Human Genetics Tuebingen
Classification: Likely pathogenic. Last evaluated: 2024-08-01. Review status: criteria provided, single submitter. Criteria: CeGaT Center For Human Genetics Tuebingen Variant Classification Criteria Version 2. Collection method: clinical testing. Allele origin: germline. Affected: yes. Observed: 2 variant alleles.
Comment: PKD1: PM2, PS4:Moderate, PP3, PP4

Fulgent Genetics
Classification: Likely pathogenic for Polycystic kidney disease, adult type. Last evaluated: 2024-05-17. Review status: criteria provided, single submitter. Criteria: ACMG Guidelines, 2015. Collection method: clinical testing. Allele origin: germline.

Blueprint Genetics
Classification: Uncertain significance. Last evaluated: 2023-11-21. Review status: criteria provided, single submitter. Criteria: ACMG Guidelines, 2015. Collection method: clinical testing. Allele origin: germline.

Athena Diagnostics
Classification: Uncertain significance. Last evaluated: 2019-06-27. Review status: criteria provided, single submitter. Criteria: Athena Diagnostics Criteria. Collection method: clinical testing. Allele origin: germline.

Broad Center for Mendelian Genomics, Broad Institute of MIT and Harvard
Classification: Uncertain significance for Polycystic kidney disease 4. Last evaluated: 2018-06-15. Review status: criteria provided, single submitter. Criteria: ACMG Guidelines, 2015. Collection method: research. Allele origin: germline. Inheritance: Autosomal recessive inheritance. Affected: yes.
Comment: This variant was absent from large population studies. The Proline (Pro) at position 2219 is conserved in mammals and evolutionarily distant species, raising the possibility that a change at this position may not be tolerated. Computational prediction tools do not provide strong support for or against an impact to the protein. In summary, the clinical significance of this variant is uncertain.

Literature cited by the submitters: PubMed 33639313 (cited by Women's Health and Genetics/Laboratory Corporation of America, LabCorp and Mayo Clinic Laboratories, Mayo Clinic); PubMed 29100090 (cited by 3 submitters); PubMed 39574911 (cited by Women's Health and Genetics/Laboratory Corporation of America, LabCorp); PubMed 32775833 (cited by Women's Health and Genetics/Laboratory Corporation of America, LabCorp and Mayo Clinic Laboratories, Mayo Clinic).

NM_001009944.3(PKD1):c.6656C>T (p.Pro2219Leu)

Gene: PKD1 (polycystin 1, transient receptor potential channel interacting; minus strand). Cytogenetic location: 16p13.3.
Variant type: single nucleotide variant.
Coding change: c.6656C>T on transcript NM_001009944.3 (MANE Select); coding-DNA position 6656, C replaced by T.
Protein change: p.Pro2219Leu; replaces proline 2219 with leucine.
Molecular consequence: missense variant.
Genome position (GRCh38, 1-based): chr16:2,108,511, G>A on the plus strand (C>T on the coding strand, the complement: PKD1 is on the minus strand). VCF-style: chr16-2108511-G-A. GRCh37 (hg19) VCF-style: chr16-2158512-G-A.
Other names: c.6656C>T, p.Pro2219Leu (NM_000296.4); short protein forms P2219L.
Identifiers: ClinVar variation 635077 (VCV000635077.21), dbSNP rs1567191874, ClinGen allele CA394373142.